The following is an entry in ClinVar:

NM_001372044.2(SHANK3):c.2044C>T (p.Leu682=)

Genes: SHANK3 (SH3 and multiple ankyrin repeat domains 3; plus strand), LOC126863188 (CDK7 strongly-dependent group 2 enhancer GRCh37_chr22:51142004-51143203; plus strand). Cytogenetic location: 22q13.33.
Variant type: single nucleotide variant.
Coding change: c.2044C>T on transcript NM_001372044.2 (MANE Select); coding-DNA position 2044, C replaced by T.
Protein change: p.Leu682=; no amino-acid change (leucine 682 retained).
Molecular consequence: synonymous variant.
Genome position (GRCh38, 1-based): chr22:50,704,785, C>T. VCF-style: chr22-50704785-C-T. GRCh37 (hg19) VCF-style: chr22-51143213-C-T.
Other names: c.1819C>T, p.Leu607= (NM_033517.1).
Identifiers: ClinVar variation 2502492 (VCV002502492.1), dbSNP rs2518405951, ClinGen allele CA515256387.

ClinVar aggregate classification (germline): Uncertain significance (1 of 4 stars; one submission).

Submission:

GeneDx
Classification: Uncertain significance. Last evaluated: 2022-11-18. Review status: criteria provided, single submitter. Criteria: GeneDx Variant Classification Process June 2021. Collection method: clinical testing. Allele origin: germline. Affected: yes.
Comment: Not observed at significant frequency in large population cohorts (gnomAD); In silico analysis supports that this variant does not alter splicing; Has not been previously published as pathogenic or benign to our knowledge